The following is an entry in ClinVar:

NM_001267550.2(TTN):c.80143G>T (p.Val26715Phe)

Genes: TTN (titin; minus strand), TTN-AS1 (TTN antisense RNA 1; plus strand). Cytogenetic location: 2q31.2.
Variant type: single nucleotide variant.
Coding change: c.80143G>T on transcript NM_001267550.2 (MANE Select); coding-DNA position 80143, G replaced by T.
Protein change: p.Val26715Phe; replaces valine 26715 with phenylalanine.
Molecular consequence: missense variant.
Genome position (GRCh38, 1-based): chr2:178,565,989, C>A on the plus strand (G>T on the coding strand, the complement: TTN is on the minus strand). VCF-style: chr2-178565989-C-A. GRCh37 (hg19) VCF-style: chr2-179430716-C-A.
Other names: c.52948G>T, p.Val17650Phe (NM_003319.4); c.72439G>T, p.Val24147Phe (NM_133378.4); c.53323G>T, p.Val17775Phe (NM_133432.3); c.53524G>T, p.Val17842Phe (NM_133437.4); c.75220G>T, p.Val25074Phe (NM_001256850.1); short protein forms V17650F, V17775F, V17842F, V24147F, V25074F, V26715F.
Identifiers: ClinVar variation 1702638 (VCV001702638.4), dbSNP rs1705694653, ClinGen allele CA349590924.

ClinVar aggregate classification (germline): Uncertain significance. Review status: criteria provided, multiple submitters, no conflicts (2 of 4 stars). 2 submissions from 2 submitters: Uncertain significance (2). Last evaluated 2022-08-16.

Allele frequency attached by ClinVar (database versions not stated): gnomAD 0.00001.
gnomAD v4.1: 2 of 1,613,426 alleles (0.00012%); highest among the groups gnomAD compares: East Asian, 0.0022%; no homozygotes.

Submissions (2):

GeneDx
Classification: Uncertain significance. Last evaluated: 2022-08-16. Review status: criteria provided, single submitter. Criteria: GeneDx Variant Classification Process June 2021. Collection method: clinical testing. Allele origin: germline. Affected: yes.
Comment: Not observed at significant frequency in large population cohorts (gnomAD); Missense variant in a gene in which most reported pathogenic variants are truncating/loss-of-function; Has not been previously published as pathogenic or benign to our knowledge

Revvity Omics, Revvity
Classification: Uncertain significance. Last evaluated: 2019-07-24. Review status: criteria provided, single submitter. Criteria: ACMG Guidelines, 2015. Collection method: clinical testing. Allele origin: germline.